The following is an entry in ClinVar:

ClinVar aggregate classification (germline): Benign/Likely benign. Review status: criteria provided, multiple submitters, no conflicts (2 of 4 stars). 4 submissions from 4 submitters: Benign (1); Likely benign (3). Last evaluated 2026-01-18.

Conditions:
Medium-chain acyl-coenzyme A dehydrogenase deficiency (ACADMD). Also called: Medium chain acyl-CoA dehydrogenase deficiency; MCADD; MCAD Deficiency; MCADH DEFICIENCY; ACADM DEFICIENCY; CARNITINE DEFICIENCY SECONDARY TO MEDIUM-CHAIN ACYL-CoA DEHYDROGENASE DEFICIENCY. Identifiers: Orphanet 42, MedGen C0220710, MONDO:0008721, OMIM 201450.

Allele frequency attached by ClinVar (database versions not stated): gnomAD exomes 0.00007 and 0.00022; ExAC 0.00032; ESP Exome Variant Server 0.00062; TOPMed 0.00075; gnomAD 0.00077 and 0.00084; 1000 Genomes Project 30x 0.00109; 1000 Genomes Project 0.00140.

Submissions (4):

Labcorp Genetics (formerly Invitae), Labcorp
Classification: Benign for Medium-chain acyl-coenzyme A dehydrogenase deficiency. Last evaluated: 2026-01-18. Review status: criteria provided, single submitter. Criteria: Invitae Variant Classification Sherloc (09022015). Collection method: clinical testing. Allele origin: germline.

ARUP Laboratories, Molecular Genetics and Genomics, ARUP Laboratories
Classification: Likely benign for Medium-chain acyl-coenzyme A dehydrogenase deficiency. Last evaluated: 2024-07-18. Review status: criteria provided, single submitter. Criteria: ARUP Molecular Germline Variant Investigation Process 2024. Collection method: clinical testing. Allele origin: germline.

Blueprint Genetics
Classification: Likely benign. Last evaluated: 2023-06-29. Review status: criteria provided, single submitter. Criteria: ACMG Guidelines, 2015. Collection method: clinical testing. Allele origin: germline.

GeneDx
Classification: Likely benign. Last evaluated: 2018-01-25. Review status: criteria provided, single submitter. Criteria: GeneDx Variant Classification (06012015). Collection method: clinical testing. Allele origin: germline. Affected: yes.
Comment: This variant is considered likely benign or benign based on one or more of the following criteria: it is a conservative change, it occurs at a poorly conserved position in the protein, it is predicted to be benign by multiple in silico algorithms, and/or has population frequency not consistent with disease.

NM_000016.6(ACADM):c.1194+11A>G

Gene: ACADM (acyl-CoA dehydrogenase medium chain; plus strand). Cytogenetic location: 1p31.1.
Variant type: single nucleotide variant.
Coding change: c.1194+11A>G on transcript NM_000016.6 (MANE Select); 11 bases into the intron after coding-DNA position 1194, A replaced by G.
Molecular consequence: intron variant.
Genome position (GRCh38, 1-based): chr1:75,761,381, A>G. VCF-style: chr1-75761381-A-G. GRCh37 (hg19) VCF-style: chr1-76227066-A-G.
Other names: c.1206+11A>G (NM_001127328.3); c.1293+11A>G (NM_001286043.2); c.1086+11A>G (NM_001286042.2); c.627+11A>G (NM_001286044.2).
Identifiers: ClinVar variation 384994 (VCV000384994.11), dbSNP rs373059851, ClinGen allele CA913290.